The following is an entry in ClinVar:

NM_000264.5(PTCH1):c.658A>G (p.Ile220Val)

Gene: PTCH1 (patched 1; minus strand). Cytogenetic location: 9q22.32.
Variant type: single nucleotide variant.
Coding change: c.658A>G on transcript NM_000264.5 (MANE Select); coding-DNA position 658, A replaced by G.
Protein change: p.Ile220Val; replaces isoleucine 220 with valine.
Molecular consequence: missense variant. On other transcripts: non-coding transcript variant (1).
Genome position (GRCh38, 1-based): chr9:95,482,037, T>C on the plus strand (A>G on the coding strand, the complement: PTCH1 is on the minus strand). VCF-style: chr9-95482037-T-C. GRCh37 (hg19) VCF-style: chr9-98244319-T-C.
Other names: c.460A>G, p.Ile154Val (NM_001083602.3, NM_001354919.2); c.655A>G, p.Ile219Val (NM_001083603.3); c.205A>G, p.Ile69Val (NM_001083604.3, NM_001083605.3, NM_001083606.3 and 1 more transcripts); c.658A>G, p.Ile220Val (NM_001354918.2); short protein forms I219V, I154V, I220V, I69V.
Identifiers: ClinVar variation 1036266 (VCV001036266.10), dbSNP rs768776930, ClinGen allele CA5138874.
Genomic context (GRCh38, chr9:95,482,037, plus strand): 5'-TCGCCCCTTCCCAGAAGCAGTCCAAAGGTGTAATAATCAAACAAGGGTAAAGATATTCTA[T>C]TATCTGTCAAAGTTAAAAAGAAGAGGCCATGCGTTAGGTTAAGGCACACTACTGGGGTGT-3'
Protein context (NP_000255.2, residues 210-230): ITETGYMDQI[Ile220Val]EYLYPCLIIT

ClinVar aggregate classification (germline): Conflicting classifications of pathogenicity. Review status: criteria provided, conflicting classifications (1 of 4 stars). 2 submissions from 2 submitters: Uncertain significance (1); Benign (1). Last evaluated 2024-03-18.

Conditions:
Hereditary cancer-predisposing syndrome. Also called: Neoplastic Syndromes, Hereditary; Hereditary Cancer Syndrome; Tumor predisposition; Hereditary neoplastic syndrome. Identifiers: Orphanet 140162, MedGen C0027672, MeSH D009386, MONDO:0015356.
Gorlin syndrome. Also called: Basal cell nevus syndrome; Nevoid Basal Cell Carcinoma Syndrome. Identifiers: Orphanet 377, MedGen C0004779, MONDO:0007187.

Allele frequency attached by ClinVar (database versions not stated): gnomAD exomes below 0.00001; ExAC 0.00001; TOPMed 0.00001; gnomAD 0.00002.
gnomAD v4.1: 3 of 1,613,392 alleles (0.00019%); highest among the groups gnomAD compares: African/African-American, 0.004%; no homozygotes.

Submissions (2):

Ambry Genetics
Classification: Uncertain significance for Hereditary cancer-predisposing syndrome. Last evaluated: 2024-03-18. Review status: criteria provided, single submitter. Criteria: Ambry Variant Classification Scheme 2023. Collection method: clinical testing. Allele origin: germline.
Comment: The p.I220V variant (also known as c.658A>G), located in coding exon 5 of the PTCH1 gene, results from an A to G substitution at nucleotide position 658. The isoleucine at codon 220 is replaced by valine, an amino acid with highly similar properties. This amino acid position is highly conserved in available vertebrate species. In addition, the in silico prediction for this alteration is inconclusive. Since supporting evidence is limited at this time, the clinical significance of this alteration remains unclear.

Labcorp Genetics (formerly Invitae), Labcorp
Classification: Benign for Gorlin syndrome. Last evaluated: 2023-01-24. Review status: criteria provided, single submitter. Criteria: Invitae Variant Classification Sherloc (09022015). Collection method: clinical testing. Allele origin: germline.